The following is an entry in ClinVar:

NM_004859.4(CLTC):c.1999C>T (p.Leu667Phe)

Gene: CLTC (clathrin heavy chain; plus strand). Cytogenetic location: 17q23.1.
Variant type: single nucleotide variant.
Coding change: c.1999C>T on transcript NM_004859.4 (MANE Select); coding-DNA position 1999, C replaced by T.
Protein change: p.Leu667Phe; replaces leucine 667 with phenylalanine.
Molecular consequence: missense variant.
Genome position (GRCh38, 1-based): chr17:59,666,848, C>T. VCF-style: chr17-59666848-C-T. GRCh37 (hg19) VCF-style: chr17-57744209-C-T.
Other names: c.2011C>T, p.Leu671Phe (NM_001288653.2); short protein forms L671F, L667F.
Identifiers: ClinVar variation 2711154 (VCV002711154.3), dbSNP rs2032743882, ClinGen allele CA400428775.
Genomic context (GRCh38, chr17:59,666,848, plus strand): 5'-GTCTTGTAGTGGTTAGTCAACTACTTTGGTTCCTTATCAGTAGAAGACTCCCTAGAATGT[C>T]TCAGAGCCATGCTGTCTGCCAACATCCGTCAGAATCTGCAGATTTGTGTTCAGGTGGCTT-3'
Protein context (NP_004850.1, residues 657-677): SLSVEDSLEC[Leu667Phe]RAMLSANIRQ

ClinVar aggregate classification (germline): Uncertain significance (1 of 4 stars; one submission).

Allele frequency attached by ClinVar (database versions not stated): gnomAD 0.00001.
gnomAD v4.1: 1 of 1,613,856 alleles (0.000062%); highest among the groups gnomAD compares: African/African-American, 0.0013%; no homozygotes.

Submission:

Labcorp Genetics (formerly Invitae), Labcorp
Classification: Uncertain significance. Last evaluated: 2024-01-24. Review status: criteria provided, single submitter. Criteria: Invitae Variant Classification Sherloc (09022015). Collection method: clinical testing. Allele origin: germline.
Comment: This sequence change replaces leucine, which is neutral and non-polar, with phenylalanine, which is neutral and non-polar, at codon 671 of the CLTC protein (p.Leu671Phe). This variant is not present in population databases (gnomAD no frequency). This variant has not been reported in the literature in individuals affected with CLTC-related conditions. Advanced modeling of protein sequence and biophysical properties (such as structural, functional, and spatial information, amino acid conservation, physicochemical variation, residue mobility, and thermodynamic stability) performed at Invitae indicates that this missense variant is not expected to disrupt CLTC protein function with a negative predictive value of 80%. In summary, the available evidence is currently insufficient to determine the role of this variant in disease. Therefore, it has been classified as a Variant of Uncertain Significance.